The following is an entry in ClinVar:

ClinVar aggregate classification (germline): Benign. Review status: criteria provided, multiple submitters, no conflicts (2 of 4 stars). 5 submissions from 3 submitters: Benign (5). Last evaluated 2021-07-10.

Conditions:
Bifunctional peroxisomal enzyme deficiency (DBIF). Also called: DBP DEFICIENCY; PBFE DEFICIENCY; D-bifunctional protein deficiency. Identifiers: Orphanet 300, MedGen C0342870, MONDO:0009855, OMIM 261515. Disease mechanism: loss of function.
Perrault syndrome 1 (PRLTS1). Also called: GONADAL DYSGENESIS, XX TYPE, WITH DEAFNESS; OVARIAN DYSGENESIS WITH SENSORINEURAL DEAFNESS. Identifiers: Orphanet 2855, Orphanet 642945, MedGen C4551721, MONDO:0009300, OMIM 233400.

Allele frequency attached by ClinVar (database versions not stated): 1000 Genomes Project 30x 0.39897; 1000 Genomes Project 0.40635; TOPMed 0.42814.
gnomAD v4.1: 761,642 of 1,610,302 alleles (47%); highest among the groups gnomAD compares: Admixed American, 55%; 183,344 homozygotes.

Submissions (5):

Genome-Nilou Lab
Classification: Benign for Bifunctional peroxisomal enzyme deficiency. Last evaluated: 2021-07-10. Review status: criteria provided, single submitter. Criteria: ACMG Guidelines, 2015. Collection method: clinical testing. Allele origin: germline. Affected: no.

Genome-Nilou Lab
Classification: Benign for Perrault syndrome 1. Last evaluated: 2021-07-10. Review status: criteria provided, single submitter. Criteria: ACMG Guidelines, 2015. Collection method: clinical testing. Allele origin: germline. Affected: no.

GeneDx
Classification: Benign. Last evaluated: 2018-06-24. Review status: criteria provided, single submitter. Criteria: GeneDx Variant Classification Process June 2021. Collection method: clinical testing. Allele origin: germline. Affected: yes.

Illumina Laboratory Services, Illumina
Classification: Benign for Perrault syndrome 1. Last evaluated: 2018-01-12. Review status: criteria provided, single submitter. Criteria: ICSL Variant Classification Criteria 13 December 2019. Collection method: clinical testing. Allele origin: germline.
Comment: This variant was observed in the ICSL laboratory as part of a predisposition screen in an ostensibly healthy population. It had not been previously curated by ICSL or reported in the Human Gene Mutation Database (HGMD: prior to June 1st, 2018), and was therefore a candidate for classification through an automated scoring system. Utilizing variant allele frequency, disease prevalence and penetrance estimates, and inheritance mode, an automated score was calculated to assess if this variant is too frequent to cause the disease. Based on the score and internal cut-off values, a variant classified as benign is not then subjected to further curation. The score for this variant resulted in a classification of benign for this disease.

Illumina Laboratory Services, Illumina
Classification: Benign for Bifunctional peroxisomal enzyme deficiency. Last evaluated: 2018-01-12. Review status: criteria provided, single submitter. Criteria: ICSL Variant Classification Criteria 13 December 2019. Collection method: clinical testing. Allele origin: germline.
Comment: the same text as in the submission from Illumina Laboratory Services, Illumina above.

NM_000414.4(HSD17B4):c.-75C>G

Gene: HSD17B4 (hydroxysteroid 17-beta dehydrogenase 4; plus strand). Cytogenetic location: 5q23.1.
Variant type: single nucleotide variant.
Coding change: c.-75C>G on transcript NM_000414.4 (MANE Select); 75 bases upstream of the start codon, C replaced by G.
Molecular consequence: 5 prime UTR variant.
Genome position (GRCh38, 1-based): chr5:119,452,501, C>G. VCF-style: chr5-119452501-C-G. GRCh37 (hg19) VCF-style: chr5-118788196-C-G.
Other names: c.-253C>G (NM_001199291.3); c.-75C>G (NM_001199292.2); c.-212C>G (NM_001292027.2); c.-674C>G (NM_001292028.2).
Identifiers: ClinVar variation 350457 (VCV000350457.9), dbSNP rs26180, ClinGen allele CA10618803.
Genomic context (GRCh38, chr5:119,452,501, plus strand): 5'-GCGCTCATCTTCCTACCAGAAATCGGCAAGTCACTGACCCTCGTCCCGCCCCCGCCATTC[C>G]CCGCCTCCTCCTGTCCCGCAGTCGGCGTCCAGCGGCTCTGCTTGTTCGTGTGTGTGTCGT-3'